The following is an entry in ClinVar:

ClinVar aggregate classification (germline): Uncertain significance. Review status: criteria provided, multiple submitters, no conflicts (2 of 4 stars). 2 submissions from 2 submitters: Uncertain significance (2). Last evaluated 2025-02-27.

Conditions:
Xeroderma pigmentosum (XP). Identifiers: Orphanet 910, MedGen C0043346, MONDO:0019600.
Inborn genetic diseases. Identifiers: MedGen C0950123, MeSH D030342.

Allele frequency attached by ClinVar (database versions not stated): gnomAD exomes below 0.00001.
gnomAD v4.1: 4 of 1,614,154 alleles (0.00025%); highest among the groups gnomAD compares: African/African-American, 0.0053%; no homozygotes.

Submissions (2):

Ambry Genetics
Classification: Uncertain significance for Inborn genetic diseases. Last evaluated: 2025-02-27. Review status: criteria provided, single submitter. Criteria: Ambry Variant Classification Scheme 2023. Collection method: clinical testing. Allele origin: germline.

Sema4
Classification: Uncertain significance for Xeroderma pigmentosum. Last evaluated: 2021-10-19. Review status: criteria provided, single submitter. Criteria: Sema4 Curation Guidelines. Collection method: curation. Allele origin: germline.
Comment: The DDB2 c.196T>G (p.C66G) variant has not been reported in the literature to our knowledge. It was observed in 1/251382 chromosomes in the large and broad cohorts of the Genome Aggregation Database (PMID: 32461654). The variant has not been reported in ClinVar. Functional studies have not been performed, and in silico predictions of the variant's effect on protein function are inconclusive. The evidence is insufficient to meet ACMG/AMP criteria for classifying the variant as benign or pathogenic. Thus, the clinical significance of this variant is currently uncertain.

NM_000107.3(DDB2):c.196T>G (p.Cys66Gly)

Gene: DDB2 (damage specific DNA binding protein 2; plus strand). Cytogenetic location: 11p11.2.
Variant type: single nucleotide variant.
Coding change: c.196T>G on transcript NM_000107.3 (MANE Select); coding-DNA position 196, T replaced by G.
Protein change: p.Cys66Gly; replaces cysteine 66 with glycine.
Molecular consequence: missense variant. On other transcripts: non-coding transcript variant (2).
Genome position (GRCh38, 1-based): chr11:47,216,404, T>G. VCF-style: chr11-47216404-T-G. GRCh37 (hg19) VCF-style: chr11-47237955-T-G.
Other names: c.196T>G, p.Cys66Gly (NM_001300734.2, NM_001399874.1, NM_001399875.1 and 2 more transcripts); short protein forms C66G.
Identifiers: ClinVar variation 1692145 (VCV001692145.2), dbSNP rs1275847261, ClinGen allele CA380292702.